The following is an entry in ClinVar:

ClinVar aggregate classification (germline): Uncertain significance (1 of 4 stars; one submission).

Submission:

GeneDx
Classification: Uncertain significance. Last evaluated: 2026-01-22. Review status: criteria provided, single submitter. Criteria: GeneDx Variant Classification Process June 2021. Collection method: clinical testing. Allele origin: germline.
Comment: Not observed at significant frequency in large population cohorts (gnomAD); In silico analysis suggests that this missense variant does not alter protein structure/function; Has not been previously published as pathogenic or benign to our knowledge

NM_001363711.2(DUOX2):c.41C>G (p.Ala14Gly)

Gene: DUOX2 (dual oxidase 2; minus strand). Cytogenetic location: 15q21.1.
Variant type: single nucleotide variant.
Coding change: c.41C>G on transcript NM_001363711.2 (MANE Select); coding-DNA position 41, C replaced by G.
Protein change: p.Ala14Gly; replaces alanine 14 with glycine.
Molecular consequence: missense variant.
Genome position (GRCh38, 1-based): chr15:45,113,371, G>C on the plus strand (C>G on the coding strand, the complement: DUOX2 is on the minus strand). VCF-style: chr15-45113371-G-C. GRCh37 (hg19) VCF-style: chr15-45405569-G-C.
Other names: c.41C>G, p.Ala14Gly (NM_014080.5); short protein forms A14G.
Identifiers: ClinVar variation 4975494 (VCV004975494.1).